The following is an entry in ClinVar:

NM_001145809.2(MYH14):c.657G>T (p.Ala219=)

Gene: MYH14 (myosin heavy chain 14; plus strand). Cytogenetic location: 19q13.33.
Variant type: single nucleotide variant.
Coding change: c.657G>T on transcript NM_001145809.2 (MANE Select); coding-DNA position 657, G replaced by T.
Protein change: p.Ala219=; no amino-acid change (alanine 219 retained).
Molecular consequence: synonymous variant.
Genome position (GRCh38, 1-based): chr19:50,223,313, G>T. VCF-style: chr19-50223313-G-T. GRCh37 (hg19) VCF-style: chr19-50726570-G-T.
Other names: c.657G>T, p.Ala219= (NM_001077186.2, NM_024729.4).
Identifiers: ClinVar variation 680873 (VCV000680873.1), dbSNP rs4801822, ClinGen allele CA508175778.

ClinVar aggregate classification (germline): Likely benign (1 of 4 stars; one submission).

gnomAD v4.1: 1 of 1,592,096 alleles (0.000063%); highest among the groups gnomAD compares: Non-Finnish European, 0.000086%; no homozygotes.

Submission:

GeneDx
Classification: Likely benign. Last evaluated: 2018-04-03. Review status: criteria provided, single submitter. Criteria: GeneDx Variant Classification (06012015). Collection method: clinical testing. Allele origin: germline. Affected: yes.
Comment: This variant is considered likely benign or benign based on one or more of the following criteria: it is a conservative change, it occurs at a poorly conserved position in the protein, it is predicted to be benign by multiple in silico algorithms, and/or has population frequency not consistent with disease.